The following is an entry in ClinVar:

ClinVar aggregate classification (germline): Pathogenic. Review status: criteria provided, multiple submitters, no conflicts (2 of 4 stars). 6 submissions from 6 submitters: Pathogenic (6). Last evaluated 2026-01-07.

Conditions:
Retinitis pigmentosa 25 (RP25). Identifiers: Orphanet 791, MedGen C1864446, MONDO:0011272, OMIM 602772.
EYS-related disorder. Also called: EYS-related condition.
Retinal dystrophy. Also called: Inherited retinal dystrophy. Identifiers: Orphanet 71862, MedGen C0854723, MeSH D058499, MONDO:0019118, HP:0000556.

Submissions (6):

Natera, Inc.
Classification: Pathogenic for Retinitis pigmentosa type 25. Last evaluated: 2026-01-07. Review status: criteria provided, single submitter. Criteria: Natera Variant Classification Schema (03/2026). Collection method: clinical testing. Allele origin: germline.
Comment: The c.7392dupT variant in EYS is a frameshift variant predicted to shift the reading frame beginning at codon 2465 and leads to a stop codon 12 codons downstream. This variant is expected to result in nonsense mediated decay, truncation, or a dysfunctional protein product. This variant is rare in the general population with a frequency below the threshold expected for the associated phenotype(s). This variant has been observed in one or more individuals affected with the associated recessive disease, as either homozygous or compound heterozygous with a second variant (PMID: 32218477). Given the available evidence, this variant is classified as Pathogenic.

Myriad Genetics, Inc.
Classification: Pathogenic for Retinitis pigmentosa 25. Last evaluated: 2025-10-23. Review status: criteria provided, single submitter. Criteria: Myriad Autosomal Dominant, Autosomal Recessive and X-Linked Classification Criteria (2023). Collection method: clinical testing. Allele origin: unknown.
Comment: NM_001142800.1(EYS):c.7392dupT(T2465Yfs*12) is a frameshift variant classified as pathogenic in the context of retinitis pigmentosa, EYS-related. T2465Yfs*12 has been observed in a case with relevant disease (PMID: 32218477). Relevant functional assessments of this variant are not available in the literature. T2465Yfs*12 has not been observed in referenced population frequency databases. In summary, NM_001142800.1(EYS):c.7392dupT(T2465Yfs*12) is a frameshift variant in a gene where loss of function is a known mechanism of disease, is predicted to disrupt protein function, and has been observed more frequently in cases with the relevant disease than in healthy populations. Please note: this variant was assessed in the context of healthy population screening.

Labcorp Genetics (formerly Invitae), Labcorp
Classification: Pathogenic. Last evaluated: 2024-03-04. Review status: criteria provided, single submitter. Criteria: Invitae Variant Classification Sherloc (09022015). Collection method: clinical testing. Allele origin: germline.
Comment: This sequence change creates a premature translational stop signal (p.Thr2465Tyrfs*12) in the EYS gene. It is expected to result in an absent or disrupted protein product. Loss-of-function variants in EYS are known to be pathogenic (PMID: 18836446, 20333770). This variant is not present in population databases (gnomAD no frequency). This premature translational stop signal has been observed in individual(s) with clinical features of retinitis pigmentosa (PMID: 32218477). ClinVar contains an entry for this variant (Variation ID: 867095). For these reasons, this variant has been classified as Pathogenic.

Baylor Genetics
Classification: Pathogenic for Retinitis pigmentosa 25. Last evaluated: 2024-03-03. Review status: criteria provided, single submitter. Criteria: ACMG Guidelines, 2015. Collection method: clinical testing. Allele origin: unknown.

Dept Of Ophthalmology, Nagoya University
Classification: Pathogenic for Retinal dystrophy. Last evaluated: 2023-10-01. Review status: criteria provided, single submitter. Criteria: Submitter's publication. Collection method: research. Allele origin: germline. Affected: yes.

Blueprint Genetics
Classification: Pathogenic for EYS-related disorders. Last evaluated: 2022-08-30. Review status: criteria provided, single submitter. Criteria: ACMG Guidelines, 2015. Collection method: clinical testing. Allele origin: germline. Affected: yes. Observed: 4 variant alleles.

Literature cited by the submitters: PubMed 32218477 (cited by 3 submitters); PubMed 18836446 (cited by Labcorp Genetics (formerly Invitae), Labcorp); PubMed 20333770 (cited by Labcorp Genetics (formerly Invitae), Labcorp).

NM_001142800.2(EYS):c.7392dup (p.Thr2465fs)

Gene: EYS (EGF-like photoreceptor maintenance factor; minus strand). Cytogenetic location: 6q12.
Variant type: Duplication.
Coding change: c.7392dup on transcript NM_001142800.2 (MANE Select); coding-DNA position 7392, one base duplicated (T; older notation c.7392dupT).
Protein change: p.Thr2465fs; shifts the reading frame from threonine 2465.
Molecular consequence: frameshift variant.
Genome position (GRCh38, 1-based): chr6:63,806,209, A duplicated on the plus strand (T on the coding strand, the reverse complement: EYS is on the minus strand); the first of 6 consecutive A bases (chr6:63,806,209-63,806,214); duplicating any one gives the same sequence. VCF-style (leftmost placement, unchanged base first): chr6-63806208-T-TA. GRCh37 (hg19) VCF-style: chr6-64516101-T-TA.
Other names: c.7392dupT (NM_001142800.1, NM_001142800.2); c.7392dup, p.Thr2465fs (NM_001292009.2); short protein forms T2465fs.
Identifiers: ClinVar variation 867095 (VCV000867095.17), dbSNP rs1770904723, ClinGen allele CA916082849.